The following is an entry in ClinVar:

NM_017654.4(SAMD9):c.153dup (p.Glu52fs)

Gene: SAMD9 (sterile alpha motif domain containing 9; minus strand). Cytogenetic location: 7q21.2.
Variant type: Duplication.
Coding change: c.153dup on transcript NM_017654.4 (MANE Select); coding-DNA position 153, one base duplicated (A; older notation c.153dupA).
Protein change: p.Glu52fs; shifts the reading frame from glutamic acid 52.
Molecular consequence: frameshift variant.
Genome position (GRCh38, 1-based): chr7:93,105,945, T duplicated on the plus strand (A on the coding strand, the reverse complement: SAMD9 is on the minus strand); the first of 7 consecutive T bases (chr7:93,105,945-93,105,951); duplicating any one gives the same sequence. VCF-style (leftmost placement, unchanged base first): chr7-93105944-C-CT. GRCh37 (hg19) VCF-style: chr7-92735257-C-CT.
Other names: c.153dup (NM_017654.3); c.153dup, p.Glu52fs (NM_001193307.2); short protein forms E52fs.
Identifiers: ClinVar variation 1897785 (VCV001897785.4), dbSNP rs768867610, ClinGen allele CA4343208.
Genomic context (GRCh38, chr7:93,105,944, plus strand): 5'-TGAATAGTTCTTCTATTTGAATAGCTGGTCCATGTGTGATGCCCATATCAACAAGATGTT[C>CT]TTTTTTTAACCACTTCAAGACTGCTCCATTCACGTCTTGTTCAGTCAAAATTTCCCTGTG-3'

ClinVar aggregate classification (germline): Uncertain significance. Review status: criteria provided, multiple submitters, no conflicts (2 of 4 stars). 2 submissions from 2 submitters: Uncertain significance (2). Last evaluated 2025-10-18.

Submissions (2):

Labcorp Genetics (formerly Invitae), Labcorp
Classification: Uncertain significance. Last evaluated: 2025-10-18. Review status: criteria provided, single submitter. Criteria: Invitae Variant Classification Sherloc (09022015). Collection method: clinical testing. Allele origin: germline.
Comment: This sequence change creates a premature translational stop signal (p.Glu52Argfs*5) in the SAMD9 gene. While this is not anticipated to result in nonsense mediated decay, it is expected to disrupt the last 1538 amino acid(s) of the SAMD9 protein. This variant is present in population databases (rs768867610, gnomAD 0.02%). This variant has not been reported in the literature in individuals affected with SAMD9-related conditions. ClinVar contains an entry for this variant (Variation ID: 1897785). In summary, the available evidence is currently insufficient to determine the role of this variant in disease. Therefore, it has been classified as a Variant of Uncertain Significance.

GeneDx
Classification: Uncertain significance. Last evaluated: 2022-12-23. Review status: criteria provided, single submitter. Criteria: GeneDx Variant Classification Process June 2021. Collection method: clinical testing. Allele origin: germline. Affected: yes.
Comment: Frameshift variant predicted to result in protein truncation, as the last 1538 amino acids are replaced with 4 different amino acids, and other loss-of-function variants have been reported downstream in HGMD; Has not been previously published as pathogenic or benign to our knowledge